The following is an entry in ClinVar:

ClinVar aggregate classification (germline): Uncertain significance (1 of 4 stars; one submission).

Conditions:
Epidermolysis bullosa simplex with nail dystrophy (EBS5D). Identifiers: MedGen C4225309, MONDO:0014661, OMIM 616487.
Epidermolysis bullosa simplex, Ogna type (EBS5A). Also called: Pidermolysis bullosa simplex 5A, Ogna type; EPIDERMOLYSIS BULLOSA SIMPLEX 5A, OGNA TYPE. Identifiers: Orphanet 79401, MedGen C0432317, MONDO:0007555, OMIM 131950.
Epidermolysis bullosa simplex 5B, with muscular dystrophy (EBS5B). Also called: Epidermolysis bullosa simplex with muscular dystrophy; EPIDERMOLYSIS BULLOSA SIMPLEX AND LIMB-GIRDLE MUSCULAR DYSTROPHY. Identifiers: Orphanet 257, MedGen C2931072, MONDO:0009181, OMIM 226670.
Autosomal recessive limb-girdle muscular dystrophy type 2Q (LGMDR17). Also called: MUSCULAR DYSTROPHY, LIMB-GIRDLE, AUTOSOMAL RECESSIVE 17. Identifiers: Orphanet 254361, MedGen C3150989, MONDO:0013390, OMIM 613723.
Epidermolysis bullosa simplex 5C, with pyloric atresia (EBS5C). Also called: PLEC-Related Epidermolysis Bullosa with Pyloric Atresia; Epidermolysis bullosa simplex with pyloric atresia; PLEC1-Related Epidermolysis Bullosa with Pyloric Atresia. Identifiers: Orphanet 158684, MedGen C2677349, MONDO:0012807, OMIM 612138.

Submission:

Labcorp Genetics (formerly Invitae), Labcorp
Classification: Uncertain significance for Autosomal recessive limb-girdle muscular dystrophy type 2Q; Epidermolysis bullosa simplex, Ogna type; Epidermolysis bullosa simplex with nail dystrophy; Epidermolysis bullosa simplex 5C, with pyloric atresia; Epidermolysis bullosa simplex 5B, with muscular dystrophy. Last evaluated: 2025-08-02. Review status: criteria provided, single submitter. Criteria: Invitae Variant Classification Sherloc (09022015). Collection method: clinical testing. Allele origin: germline.
Comment: This sequence change replaces glutamine, which is neutral and polar, with histidine, which is basic and polar, at codon 1165 of the PLEC protein (p.Gln1165His). This variant is not present in population databases (gnomAD no frequency). This variant has not been reported in the literature in individuals affected with PLEC-related conditions. Invitae Evidence Modeling of protein sequence and biophysical properties (such as structural, functional, and spatial information, amino acid conservation, physicochemical variation, residue mobility, and thermodynamic stability) indicates that this missense variant is not expected to disrupt PLEC protein function with a negative predictive value of 80%. In summary, the available evidence is currently insufficient to determine the role of this variant in disease. Therefore, it has been classified as a Variant of Uncertain Significance.

NM_201384.3(PLEC):c.3414G>C (p.Gln1138His)

Gene: PLEC (plectin; minus strand). Cytogenetic location: 8q24.3.
Variant type: single nucleotide variant.
Coding change: c.3414G>C on transcript NM_201384.3 (MANE Select); coding-DNA position 3414, G replaced by C.
Protein change: p.Gln1138His; replaces glutamine 1138 with histidine.
Molecular consequence: missense variant.
Genome position (GRCh38, 1-based): chr8:143,927,752, C>G on the plus strand (G>C on the coding strand, the complement: PLEC is on the minus strand). VCF-style: chr8-143927752-C-G. GRCh37 (hg19) VCF-style: chr8-145001920-C-G.
Other names: c.3495G>C, p.Gln1165His (NM_000445.5, NM_001410941.1); c.3372G>C, p.Gln1124His (NM_201378.4); c.3348G>C, p.Gln1116His (NM_201379.3); c.3825G>C, p.Gln1275His (NM_201380.4); c.3318G>C, p.Gln1106His (NM_201381.3); c.3414G>C, p.Gln1138His (NM_201382.4); c.3426G>C, p.Gln1142His (NM_201383.3); short protein forms Q1142H, Q1275H, Q1106H, Q1116H, Q1124H, Q1138H, Q1165H.
Identifiers: ClinVar variation 4783128 (VCV004783128.1).